The following is an entry in ClinVar:

NM_004360.5(CDH1):c.5G>T (p.Gly2Val)

Gene: CDH1 (cadherin 1; plus strand). Cytogenetic location: 16q22.1.
Variant type: single nucleotide variant.
Coding change: c.5G>T on transcript NM_004360.5 (MANE Select); coding-DNA position 5, G replaced by T.
Protein change: p.Gly2Val; replaces glycine 2 with valine.
Molecular consequence: missense variant. On other transcripts: 5 prime UTR variant (2).
Genome position (GRCh38, 1-based): chr16:68,737,420, G>T. VCF-style: chr16-68737420-G-T. GRCh37 (hg19) VCF-style: chr16-68771323-G-T.
Other names: NM_004360.5(CDH1):c.5G>T; p.Gly2Val; c.5G>T (LRG_301t1); c.5G>T, p.Gly2Val (NM_001317184.2); c.-1611G>T (NM_001317185.2); c.-1815G>T (NM_001317186.2); short protein forms G2V.
Identifiers: ClinVar variation 239909 (VCV000239909.16), dbSNP rs878854692, ClinGen allele CA10583400.

ClinVar aggregate classification (germline): Uncertain significance. Review status: reviewed by expert panel (3 of 4 stars). 5 submissions from 5 submitters: Uncertain significance (1). 4 of the submissions do not count toward it. Last evaluated 2023-08-21.

Conditions:
CDH1-related diffuse gastric and lobular breast cancer syndrome. Also called: CDH1-related diffuse gastric and lobular breast cancer. Identifiers: MedGen CN311521, MONDO:0100488.
Hereditary cancer-predisposing syndrome. Also called: Neoplastic Syndromes, Hereditary; Tumor predisposition; Hereditary neoplastic syndrome; Hereditary Cancer Syndrome. Identifiers: Orphanet 140162, MedGen C0027672, MeSH D009386, MONDO:0015356.
Hereditary diffuse gastric adenocarcinoma (HDGC). Also called: DIFFUSE GASTRIC AND LOBULAR BREAST CANCER SYNDROME. Identifiers: Orphanet 26106, MedGen C1708349, MONDO:0007648, OMIM 137215.

Submissions (5):

Clingen Gastric Cancer Variant Curation Expert Panel
Classification: Uncertain significance for CDH1-related diffuse gastric and lobular breast cancer syndrome. Last evaluated: 2023-08-21. Review status: reviewed by expert panel. Criteria: ClinGen CDH1 ACMG Specifications V3.1. Collection method: curation. Allele origin: germline. Inheritance: Autosomal dominant inheritance.
Comment: The CDH1 c.5G>T (p.Gly2Val) variant is absent in the gnomAD cohort (PM2_Supporting). To our knowledge, this variant has not been reported in the literature. In summary, this variant meets criteria to be classified as a variant of uncertain significance based on the ACMG/AMP criteria applied as specified by the CDH1 Variant Curation Expert Panel (Variant Interpretation Guidelines Version 3.1): PM2_Supporting.

Ambry Genetics
Classification: Uncertain significance for Hereditary cancer-predisposing syndrome. Last evaluated: 2025-05-27. Review status: criteria provided, single submitter. Criteria: Ambry Variant Classification Scheme 2023. Collection method: clinical testing. Allele origin: germline. Not counted in ClinVar's aggregate classification.
Comment: The p.G2V variant (also known as c.5G>T), located in coding exon 1 of the CDH1 gene, results from a G to T substitution at nucleotide position 5. The glycine at codon 2 is replaced by valine, an amino acid with dissimilar properties. This amino acid position is highly conserved in available vertebrate species. In addition, this alteration is predicted to be tolerated by in silico analysis. Since supporting evidence is limited at this time, the clinical significance of this alteration remains unclear.

Labcorp Genetics (formerly Invitae), Labcorp
Classification: Uncertain significance for Hereditary diffuse gastric adenocarcinoma. Last evaluated: 2024-07-18. Review status: criteria provided, single submitter. Criteria: Invitae Variant Classification Sherloc (09022015). Collection method: clinical testing. Allele origin: germline. Not counted in ClinVar's aggregate classification.
Comment: This sequence change replaces glycine, which is neutral and non-polar, with valine, which is neutral and non-polar, at codon 2 of the CDH1 protein (p.Gly2Val). This variant is not present in population databases (gnomAD no frequency). This variant has not been reported in the literature in individuals affected with CDH1-related conditions. ClinVar contains an entry for this variant (Variation ID: 239909). An algorithm developed to predict the effect of missense changes on protein structure and function (PolyPhen-2) suggests that this variant is likely to be disruptive. In summary, the available evidence is currently insufficient to determine the role of this variant in disease. Therefore, it has been classified as a Variant of Uncertain Significance.

Color Diagnostics, LLC DBA Color Health
Classification: Uncertain significance for Hereditary cancer-predisposing syndrome. Last evaluated: 2022-11-07. Review status: criteria provided, single submitter. Criteria: ACMG Guidelines, 2015. Collection method: clinical testing. Allele origin: germline. Not counted in ClinVar's aggregate classification.
Comment: This missense variant replaces glycine with valine at codon 2 of the CDH1 protein. To our knowledge, functional studies have not been reported for this variant. This variant has not been reported in individuals affected with CDH1-related disorders in the literature. This variant has not been identified in the general population by the Genome Aggregation Database (gnomAD). The available evidence is insufficient to determine the role of this variant in disease conclusively. Therefore, this variant is classified as a Variant of Uncertain Significance.

GeneDx
Classification: Uncertain significance. Last evaluated: 2022-08-11. Review status: criteria provided, single submitter. Criteria: GeneDx Variant Classification Process June 2021. Collection method: clinical testing. Allele origin: germline. Affected: yes. Not counted in ClinVar's aggregate classification.
Comment: Not observed at significant frequency in large population cohorts (gnomAD); In silico analysis supports that this missense variant does not alter protein structure/function; Has not been previously published as pathogenic or benign to our knowledge